The following is an entry in ClinVar:

ClinVar aggregate classification (germline): Uncertain significance (1 of 4 stars; one submission).

Allele frequency attached by ClinVar (database versions not stated): gnomAD 0.00001; TOPMed below 0.00001.
gnomAD v4.1: 7 of 1,611,066 alleles (0.00043%); highest among the groups gnomAD compares: South Asian, 0.0022%; no homozygotes.

Submission:

Labcorp Genetics (formerly Invitae), Labcorp
Classification: Uncertain significance. Last evaluated: 2025-06-30. Review status: criteria provided, single submitter. Criteria: Invitae Variant Classification Sherloc (09022015). Collection method: clinical testing. Allele origin: germline.
Comment: This sequence change replaces glycine, which is neutral and non-polar, with arginine, which is basic and polar, at codon 1822 of the MTOR protein (p.Gly1822Arg). This variant is present in population databases (no rsID available, gnomAD 0.003%). This variant has not been reported in the literature in individuals affected with MTOR-related conditions. ClinVar contains an entry for this variant (Variation ID: 2725343). Invitae Evidence Modeling of protein sequence and biophysical properties (such as structural, functional, and spatial information, amino acid conservation, physicochemical variation, residue mobility, and thermodynamic stability) indicates that this missense variant is not expected to disrupt MTOR protein function with a negative predictive value of 95%. In summary, the available evidence is currently insufficient to determine the role of this variant in disease. Therefore, it has been classified as a Variant of Uncertain Significance.

NM_004958.4(MTOR):c.5464G>A (p.Gly1822Arg)

Gene: MTOR (mechanistic target of rapamycin kinase; minus strand). Cytogenetic location: 1p36.22.
Variant type: single nucleotide variant.
Coding change: c.5464G>A on transcript NM_004958.4 (MANE Select); coding-DNA position 5464, G replaced by A.
Protein change: p.Gly1822Arg; replaces glycine 1822 with arginine.
Molecular consequence: missense variant.
Genome position (GRCh38, 1-based): chr1:11,130,678, C>T on the plus strand (G>A on the coding strand, the complement: MTOR is on the minus strand). VCF-style: chr1-11130678-C-T. GRCh37 (hg19) VCF-style: chr1-11190735-C-T.
Other names: c.5464G>A, p.Gly1822Arg (NM_001386500.1); c.4216G>A, p.Gly1406Arg (NM_001386501.1); short protein forms G1406R, G1822R.
Identifiers: ClinVar variation 2725343 (VCV002725343.3), dbSNP rs1338775745, ClinGen allele CA338398567.